The following is an entry in ClinVar:

ClinVar aggregate classification (germline): Uncertain significance (1 of 4 stars; one submission).

Submission:

Labcorp Genetics (formerly Invitae), Labcorp
Classification: Uncertain significance. Last evaluated: 2022-05-06. Review status: criteria provided, single submitter. Criteria: Invitae Variant Classification Sherloc (09022015). Collection method: clinical testing. Allele origin: germline.
Comment: This variant has not been reported in the literature in individuals affected with COL10A1-related conditions. This sequence change replaces glycine, which is neutral and non-polar, with valine, which is neutral and non-polar, at codon 377 of the COL10A1 protein (p.Gly377Val). This variant is not present in population databases (gnomAD no frequency). Algorithms developed to predict the effect of missense changes on protein structure and function are either unavailable or do not agree on the potential impact of this missense change (SIFT: "Deleterious"; PolyPhen-2: "Not Available"; Align-GVGD: "Class C65"). In summary, the available evidence is currently insufficient to determine the role of this variant in disease. Therefore, it has been classified as a Variant of Uncertain Significance.

NM_000493.4(COL10A1):c.1130G>T (p.Gly377Val)

Genes: COL10A1 (collagen type X alpha 1 chain; minus strand), NT5DC1 (5'-nucleotidase domain containing 1; plus strand). Cytogenetic location: 6q22.1.
Variant type: single nucleotide variant.
Coding change: c.1130G>T on transcript NM_000493.4 (MANE Select); coding-DNA position 1130, G replaced by T.
Protein change: p.Gly377Val; replaces glycine 377 with valine.
Molecular consequence: missense variant. On other transcripts: intron variant (1).
Genome position (GRCh38, 1-based): chr6:116,120,986, C>A on the plus strand (G>T on the coding strand, the complement: COL10A1 is on the minus strand). VCF-style: chr6-116120986-C-A. GRCh37 (hg19) VCF-style: chr6-116442149-C-A.
Other names: c.1130G>T, p.Gly377Val (NM_001424106.1, NM_001424107.1); c.529+3041C>A (NM_152729.3); short protein forms G377V.
Identifiers: ClinVar variation 2134744 (VCV002134744.4), dbSNP rs2534088145, ClinGen allele CA365389226.